The following is an entry in ClinVar:

ClinVar aggregate classification (germline): Uncertain significance (1 of 4 stars; one submission).

Conditions:
Inborn genetic diseases. Identifiers: MedGen C0950123, MeSH D030342.

Allele frequency attached by ClinVar (database versions not stated): gnomAD exomes 0.00002; gnomAD 0.00028; TOPMed 0.00034.
gnomAD v4.1: 63 of 1,382,844 alleles (0.0046%); highest among the groups gnomAD compares: African/African-American, 0.094%; no homozygotes.

Submission:

Ambry Genetics
Classification: Uncertain significance for Inborn genetic diseases. Last evaluated: 2017-06-29. Review status: criteria provided, single submitter. Criteria: Ambry Variant Classification Scheme 2023. Collection method: clinical testing. Allele origin: germline.
Comment: The p.P566S variant (also known as c.1696C>T), located in coding exon 6 of the TBR1 gene, results from a C to T substitution at nucleotide position 1696. The proline at codon 566 is replaced by serine, an amino acid with similar properties. This amino acid position is well conserved in available vertebrate species. In addition, the in silico prediction for this alteration is inconclusive. Since supporting evidence is limited at this time, the clinical significance of this alteration remains unclear.

NM_006593.4(TBR1):c.1696C>T (p.Pro566Ser)

Gene: TBR1 (T-box brain transcription factor 1; plus strand). Cytogenetic location: 2q24.2.
Variant type: single nucleotide variant.
Coding change: c.1696C>T on transcript NM_006593.4 (MANE Select); coding-DNA position 1696, C replaced by T.
Protein change: p.Pro566Ser; replaces proline 566 with serine.
Molecular consequence: missense variant.
Genome position (GRCh38, 1-based): chr2:161,423,874, C>T. VCF-style: chr2-161423874-C-T. GRCh37 (hg19) VCF-style: chr2-162280385-C-T.
Other names: short protein forms P566S.
Identifiers: ClinVar variation 1778230 (VCV001778230.2), dbSNP rs991511981, ClinGen allele CA59552801.